The following is an entry in ClinVar:

ClinVar aggregate classification (germline): Uncertain significance (1 of 4 stars; one submission).

Submission:

Women's Health and Genetics/Laboratory Corporation of America, LabCorp
Classification: Uncertain significance. Last evaluated: 2023-11-08. Review status: criteria provided, single submitter. Criteria: LabCorp Variant Classification Summary - May 2015. Collection method: clinical testing. Allele origin: germline.
Comment: Variant summary: The variant involves the duplication of exon 35 in the DMD gene. A presumed nomenclature of c.(4845+1_4846-1)_(5025+1_5026-1)dup has been designated for the purposes of this classification. It is assumed to be a tandem duplication in direct orientation (Richardson_GIM_2018, Newman_AJHG_2015). This Copy Number Variant (CNV) is predicted to result in an in-frame duplication within this gene. The variant was absent in 16120 control chromosomes. The available data on variant occurrences in the general population are insufficient to allow any conclusion about variant significance. c.(4845+1_4846-1)_(5025+1_5026-1)dup has been reported in the literature in individuals affected with Dystrophinopathies (Li_2015). These report(s) do not provide unequivocal conclusions about association of the variant with Dystrophinopathies. To our knowledge, no experimental evidence demonstrating an impact on protein function has been reported. The following publication have been ascertained in the context of this evaluation (PMID: 25612904). No submitters have cited clinical-significance assessments for this variant to ClinVar after 2014. Based on the evidence outlined above, the variant was classified as uncertain significance.

Literature cited by the submitters: PubMed 25612904.

NC_000023.10:g.(32382828_32383136)_(32383317_32398626)dup

Gene: DMD (dystrophin; minus strand). Cytogenetic location: Xp21.1.
Variant type: Duplication.
Identifiers: ClinVar variation 2682405 (VCV002682405.1).